The following is an entry in ClinVar:

ClinVar aggregate classification (germline): Uncertain significance. Review status: criteria provided, multiple submitters, no conflicts (2 of 4 stars). 2 submissions from 2 submitters: Uncertain significance (2). Last evaluated 2026-01-26.

Conditions:
Primary dilated cardiomyopathy (DCM). Also called: Dilated Cardiomyopathy. Identifiers: Orphanet 217604, MedGen C0007193, MeSH D002311, MONDO:0005021, HP:0001644. Inheritance: Various modes of inheritance.
Glucocorticoid deficiency 5. Identifiers: MedGen C4540522, MONDO:0040502, OMIM 617825.

gnomAD v4.1: 15 of 1,614,128 alleles (0.00093%); highest among the groups gnomAD compares: Admixed American, 0.022%; no homozygotes.

Submissions (2):

Labcorp Genetics (formerly Invitae), Labcorp
Classification: Uncertain significance for Primary dilated cardiomyopathy. Last evaluated: 2026-01-26. Review status: criteria provided, single submitter. Criteria: Invitae Variant Classification Sherloc (09022015). Collection method: clinical testing. Allele origin: germline.
Comment: This sequence change replaces alanine, which is neutral and non-polar, with valine, which is neutral and non-polar, at codon 131 of the TXNRD2 protein (p.Ala131Val). This variant is present in population databases (rs368359642, gnomAD 0.03%). This variant has not been reported in the literature in individuals affected with TXNRD2-related conditions. ClinVar contains an entry for this variant (Variation ID: 1438049). Invitae Evidence Modeling of protein sequence and biophysical properties (such as structural, functional, and spatial information, amino acid conservation, physicochemical variation, residue mobility, and thermodynamic stability) indicates that this missense variant is not expected to disrupt TXNRD2 protein function with a negative predictive value of 80%. In summary, the available evidence is currently insufficient to determine the role of this variant in disease. Therefore, it has been classified as a Variant of Uncertain Significance.

Fulgent Genetics
Classification: Uncertain significance for Glucocorticoid deficiency 5. Last evaluated: 2021-07-08. Review status: criteria provided, single submitter. Criteria: ACMG Guidelines, 2015. Collection method: clinical testing. Allele origin: unknown.

NM_006440.5(TXNRD2):c.392C>T (p.Ala131Val)

Gene: TXNRD2 (thioredoxin reductase 2; minus strand). Cytogenetic location: 22q11.21.
Variant type: single nucleotide variant.
Coding change: c.392C>T on transcript NM_006440.5 (MANE Select); coding-DNA position 392, C replaced by T.
Protein change: p.Ala131Val; replaces alanine 131 with valine.
Molecular consequence: missense variant. On other transcripts: non-coding transcript variant (1).
Genome position (GRCh38, 1-based): chr22:19,918,200, G>A on the plus strand (C>T on the coding strand, the complement: TXNRD2 is on the minus strand). VCF-style: chr22-19918200-G-A. GRCh37 (hg19) VCF-style: chr22-19905723-G-A.
Other names: c.392C>T, p.Ala131Val (NM_001282512.3); c.389C>T, p.Ala130Val (NM_001352300.2); c.302C>T, p.Ala101Val (NM_001352301.2); c.104C>T, p.Ala35Val (NM_001352302.2); c.296C>T, p.Ala99Val (NM_001352303.2); short protein forms A130V, A35V, A131V, A101V, A99V.
Identifiers: ClinVar variation 1438049 (VCV001438049.9), dbSNP rs368359642, ClinGen allele CA10104222.